The following is an entry in ClinVar:

ClinVar aggregate classification (germline): Conflicting classifications of pathogenicity. Review status: criteria provided, conflicting classifications (1 of 4 stars). 5 submissions from 5 submitters: Uncertain significance (4); Likely benign (1). Last evaluated 2025-10-09.

Conditions:
Tuberous sclerosis 1 (TSC1). Identifiers: Orphanet 805, MedGen C1854465, MONDO:0008612, OMIM 191100.
Hereditary cancer-predisposing syndrome. Also called: Hereditary neoplastic syndrome; Tumor predisposition; Hereditary Cancer Syndrome; Neoplastic Syndromes, Hereditary. Identifiers: Orphanet 140162, MedGen C0027672, MeSH D009386, MONDO:0015356.
Tuberous sclerosis syndrome (TSC). Also called: Tuberous Sclerosis Complex; Tuberous sclerosis. Identifiers: Orphanet 805, MedGen C0041341, MONDO:0001734.
Isolated focal cortical dysplasia type II (FCORD2). Also called: Focal cortical dysplasia type II; CORTICAL DYSPLASIA OF TAYLOR. Identifiers: Orphanet 268994, MedGen C1846385, MONDO:0011818, OMIM 607341, HP:0032051.
Lymphangiomyomatosis (LAM). Also called: Lymphangioleiomyomatosis; Lymphangioleiomyomatosis, somatic. Identifiers: Orphanet 538, MedGen C0751674, MONDO:0011705, OMIM 606690.

Allele frequency attached by ClinVar (database versions not stated): gnomAD exomes below 0.00001; ExAC 0.00001.

Submissions (5):

Labcorp Genetics (formerly Invitae), Labcorp
Classification: Likely benign for Tuberous sclerosis 1. Last evaluated: 2025-10-09. Review status: criteria provided, single submitter. Criteria: Invitae Variant Classification Sherloc (09022015). Collection method: clinical testing. Allele origin: germline.

Fulgent Genetics
Classification: Uncertain significance for Tuberous sclerosis 1; Lymphangiomyomatosis; Isolated focal cortical dysplasia type II. Last evaluated: 2024-01-24. Review status: criteria provided, single submitter. Criteria: ACMG Guidelines, 2015. Collection method: clinical testing. Allele origin: germline.

All of Us Research Program, National Institutes of Health
Classification: Uncertain significance for Tuberous sclerosis syndrome. Last evaluated: 2023-12-01. Review status: criteria provided, single submitter. Criteria: ACMG Guidelines, 2015. Collection method: clinical testing. Allele origin: germline. Inheritance: Autosomal dominant inheritance. Observed: 1 variant allele, 1 heterozygote.
Comment: This study involves interpretation of variants in research participants for the purpose of population health screening. Participant phenotype was not available at the time of variant classification. Additional details can be found in publication PMID: 35346344, PMCID: PMC8962531

Genome-Nilou Lab
Classification: Uncertain significance for Tuberous sclerosis 1. Last evaluated: 2021-11-07. Review status: criteria provided, single submitter. Criteria: ACMG Guidelines, 2015. Collection method: clinical testing. Allele origin: germline. Affected: no.

Ambry Genetics
Classification: Uncertain significance for Hereditary cancer-predisposing syndrome. Last evaluated: 2021-08-04. Review status: criteria provided, single submitter. Criteria: Ambry Variant Classification Scheme 2023. Collection method: clinical testing. Allele origin: germline.
Comment: The p.Q794K variant (also known as c.2380C>A), located in coding exon 16 of the TSC1 gene, results from a C to A substitution at nucleotide position 2380. The glutamine at codon 794 is replaced by lysine, an amino acid with similar properties. In a study of whole-exome sequencing in patients with features of Cowden syndrome (CS) or Bannayan-Riley-Ruvalcaba syndrome (BRRS) and negative PTEN testing, this alteration was identified in 0/87 patients with CS or BRRS and 1/3476 patients from The Cancer Genome Atlas (TCGA) (Yehia L et al. PLoS Genet, 2018 04;14:e1007352). This amino acid position is highly conserved in available vertebrate species. In addition, the in silico prediction for this alteration is inconclusive. Since supporting evidence is limited at this time, the clinical significance of this alteration remains unclear.

Literature cited by the submitters: PubMed 29684080 (cited by Ambry Genetics).

NM_000368.5(TSC1):c.2380C>A (p.Gln794Lys)

Gene: TSC1 (TSC complex subunit 1; minus strand). Cytogenetic location: 9q34.13.
Variant type: single nucleotide variant.
Coding change: c.2380C>A on transcript NM_000368.5 (MANE Select); coding-DNA position 2380, C replaced by A.
Protein change: p.Gln794Lys; replaces glutamine 794 with lysine.
Molecular consequence: missense variant.
Genome position (GRCh38, 1-based): chr9:132,902,616, G>T on the plus strand (C>A on the coding strand, the complement: TSC1 is on the minus strand). VCF-style: chr9-132902616-G-T. GRCh37 (hg19) VCF-style: chr9-135778003-G-T.
Other names: c.2377C>A, p.Gln793Lys (NM_001162426.2); c.2227C>A, p.Gln743Lys (NM_001162427.2); c.2017C>A, p.Gln673Lys (NM_001362177.2); short protein forms Q794K, Q743K, Q793K, Q673K.
Identifiers: ClinVar variation 580642 (VCV000580642.17), dbSNP rs781371665, ClinGen allele CA032232.